The following is an entry in ClinVar:

NC_000002.12:g.(?_233263130)_(233390483_?)dup

Genes: ATG16L1 (autophagy related 16 like 1; plus strand), SAG (S-antigen visual arrestin; plus strand), DGKD (diacylglycerol kinase delta; plus strand). Cytogenetic location: 2q37.1.
Variant type: Duplication.
Identifiers: ClinVar variation 833094 (VCV000833094.2).

ClinVar aggregate classification (germline): Uncertain significance (1 of 4 stars; one submission).

Submission:

Labcorp Genetics (formerly Invitae), Labcorp
Classification: Uncertain significance. Last evaluated: 2019-10-11. Review status: criteria provided, single submitter. Criteria: Invitae Variant Classification Sherloc (09022015). Collection method: clinical testing. Allele origin: germline.
Comment: This variant results in a copy number gain of the genomic region encompassing the full coding sequence of the SAG gene. The boundaries of this event are unknown as they extend beyond the assayed region for this gene and therefore may encompass additional genes. As the precise location of this event is unknown, it may be in tandem or it may be located elsewhere in the genome. This variant has not been reported in the literature in individuals with SAG-related conditions. In summary, the available evidence is currently insufficient to determine the role of this variant in disease. Therefore, it has been classified as a Variant of Uncertain Significance.